The following is an entry in ClinVar:

ClinVar aggregate classification (germline): Conflicting classifications of pathogenicity. Review status: criteria provided, conflicting classifications (1 of 4 stars). 2 submissions from 2 submitters: Uncertain significance (1); Likely benign (1). Last evaluated 2025-10-15.

Conditions:
Inborn genetic diseases. Identifiers: MedGen C0950123, MeSH D030342.

gnomAD v4.1: 90 of 1,614,006 alleles (0.0056%); highest among the groups gnomAD compares: Non-Finnish European, 0.0072%; no homozygotes.

Submissions (2):

Ambry Genetics
Classification: Likely benign for Inborn genetic diseases. Last evaluated: 2025-10-15. Review status: criteria provided, single submitter. Criteria: Ambry Variant Classification Scheme 2023. Collection method: clinical testing. Allele origin: germline.

Women's Health and Genetics/Laboratory Corporation of America, LabCorp
Classification: Uncertain significance. Last evaluated: 2025-10-07. Review status: criteria provided, single submitter. Criteria: LabCorp Variant Classification Summary - May 2015. Collection method: clinical testing. Allele origin: germline.
Comment: Variant summary: VWF c.5288G>A (p.Arg1763Gln) results in a conservative amino acid change in the encoded protein sequence. Algorithms developed to predict the effect of missense changes on protein structure and function all suggest that this variant is likely to be tolerated. The variant allele was found at a frequency of 2e-05 in 251226 control chromosomes. The available data on variant occurrences in the general population are insufficient to allow any conclusion about variant significance. To our knowledge, no occurrence of c.5288G>A in individuals affected with VWF-related conditions and no experimental evidence demonstrating its impact on protein function have been reported. No submitters have cited clinical-significance assessments for this variant to ClinVar. Based on the evidence outlined above, the variant was classified as uncertain significance.

NM_000552.5(VWF):c.5288G>A (p.Arg1763Gln)

Gene: VWF (von Willebrand factor; minus strand). Cytogenetic location: 12p13.31.
Variant type: single nucleotide variant.
Coding change: c.5288G>A on transcript NM_000552.5 (MANE Select); coding-DNA position 5288, G replaced by A.
Protein change: p.Arg1763Gln; replaces arginine 1763 with glutamine.
Molecular consequence: missense variant.
Genome position (GRCh38, 1-based): chr12:6,016,539, C>T on the plus strand (G>A on the coding strand, the complement: VWF is on the minus strand). VCF-style: chr12-6016539-C-T. GRCh37 (hg19) VCF-style: chr12-6125705-C-T.
Other names: short protein forms R1763Q.
Identifiers: ClinVar variation 4634555 (VCV004634555.2).